The following is an entry in ClinVar:

NM_001042492.3(NF1):c.1307C>T (p.Ser436Leu)

Gene: NF1 (neurofibromin 1; plus strand). Cytogenetic location: 17q11.2.
Variant type: single nucleotide variant.
Coding change: c.1307C>T on transcript NM_001042492.3 (MANE Select); coding-DNA position 1307, C replaced by T.
Protein change: p.Ser436Leu; replaces serine 436 with leucine.
Molecular consequence: missense variant.
Genome position (GRCh38, 1-based): chr17:31,206,286, C>T. VCF-style: chr17-31206286-C-T. GRCh37 (hg19) VCF-style: chr17-29533304-C-T.
Other names: c.1307C>T, p.Ser436Leu (NM_000267.4, NM_001128147.3); short protein forms S436L.
Identifiers: ClinVar variation 651225 (VCV000651225.12), dbSNP rs755190083, ClinGen allele CA8485748.

ClinVar aggregate classification (germline): Conflicting classifications of pathogenicity. Review status: criteria provided, conflicting classifications (1 of 4 stars). 3 submissions from 3 submitters: Uncertain significance (2); Likely benign (1). Last evaluated 2025-12-01.

Conditions:
Cardiovascular phenotype. Identifiers: MedGen CN230736.
Hereditary cancer-predisposing syndrome. Also called: Hereditary Cancer Syndrome; Tumor predisposition; Neoplastic Syndromes, Hereditary; Hereditary neoplastic syndrome. Identifiers: Orphanet 140162, MedGen C0027672, MeSH D009386, MONDO:0015356.
Neurofibromatosis, type 1 (NF1). Also called: VON RECKLINGHAUSEN DISEASE; Neurofibromatosis, type I; NEUROFIBROMATOSIS, TYPE I, SOMATIC; Peripheral type neurofibromatosis. Identifiers: Orphanet 636, MedGen C0027831, MONDO:0018975, OMIM 162200. Disease mechanism: loss of function.

Allele frequency attached by ClinVar (database versions not stated): gnomAD exomes below 0.00001; ExAC 0.00001.
gnomAD v4.1: 3 of 1,613,810 alleles (0.00019%); highest among the groups gnomAD compares: Non-Finnish European, 0.00017%; no homozygotes.

Submissions (3):

Labcorp Genetics (formerly Invitae), Labcorp
Classification: Likely benign for Neurofibromatosis, type 1. Last evaluated: 2025-12-01. Review status: criteria provided, single submitter. Criteria: Invitae Variant Classification Sherloc (09022015). Collection method: clinical testing. Allele origin: germline.

Ambry Genetics
Classification: Uncertain significance for Cardiovascular phenotype; Hereditary cancer-predisposing syndrome. Last evaluated: 2024-10-25. Review status: criteria provided, single submitter. Criteria: Ambry Variant Classification Scheme 2023. Collection method: clinical testing. Allele origin: germline.
Comment: The p.S436L variant (also known as c.1307C>T), located in coding exon 12 of the NF1 gene, results from a C to T substitution at nucleotide position 1307. The serine at codon 436 is replaced by leucine, an amino acid with dissimilar properties. This amino acid position is highly conserved in available vertebrate species. In addition, this alteration is predicted to be deleterious by in silico analysis. Since supporting evidence is limited at this time, the clinical significance of this alteration remains unclear.

Genome-Nilou Lab
Classification: Uncertain significance for Neurofibromatosis, type 1. Last evaluated: 2022-03-15. Review status: criteria provided, single submitter. Criteria: ACMG Guidelines, 2015. Collection method: clinical testing. Allele origin: germline. Affected: no.